The following is an entry in ClinVar:

NM_000540.3(RYR1):c.9512G>A (p.Ser3171Asn)

Gene: RYR1 (ryanodine receptor 1; plus strand). Cytogenetic location: 19q13.2.
Variant type: single nucleotide variant.
Coding change: c.9512G>A on transcript NM_000540.3 (MANE Select); coding-DNA position 9512, G replaced by A.
Protein change: p.Ser3171Asn; replaces serine 3171 with asparagine.
Molecular consequence: missense variant.
Genome position (GRCh38, 1-based): chr19:38,515,065, G>A. VCF-style: chr19-38515065-G-A. GRCh37 (hg19) VCF-style: chr19-39005705-G-A.
Other names: c.9512G>A, p.Ser3171Asn (NM_001042723.2); short protein forms S3171N.
Identifiers: ClinVar variation 3671329 (VCV003671329.2).
Genomic context (GRCh38, chr19:38,515,065, plus strand): 5'-CTCGCCCCCTGTCTCCCTCAGTGGACGACGTCCAGGTCTCTTGCTACCGAACGCTGTGCA[G>A]TATCTACTCCCTGGGAACCACCAAGAACACTTATGTGGAAAAGTAAGGAGAGGGAGCCAT-3'
Protein context (NP_000531.2, residues 3161-3181): VQVSCYRTLC[Ser3171Asn]IYSLGTTKNT

ClinVar aggregate classification (germline): Uncertain significance (1 of 4 stars; one submission).

Conditions:
RYR1-related disorder. Also called: RYR1-related condition; RYR1-related disorders. Identifiers: MedGen CN239331.

gnomAD v4.1: 1 of 1,568,018 alleles (0.000064%); highest among the groups gnomAD compares: Non-Finnish European, 0.000087%; no homozygotes.

Submission:

Labcorp Genetics (formerly Invitae), Labcorp
Classification: Uncertain significance for RYR1-related disorder. Last evaluated: 2024-11-27. Review status: criteria provided, single submitter. Criteria: Invitae Variant Classification Sherloc (09022015). Collection method: clinical testing. Allele origin: germline.
Comment: This sequence change replaces serine, which is neutral and polar, with asparagine, which is neutral and polar, at codon 3171 of the RYR1 protein (p.Ser3171Asn). This variant is not present in population databases (gnomAD no frequency). This variant has not been reported in the literature in individuals affected with RYR1-related conditions. Invitae Evidence Modeling of protein sequence and biophysical properties (such as structural, functional, and spatial information, amino acid conservation, physicochemical variation, residue mobility, and thermodynamic stability) indicates that this missense variant is not expected to disrupt RYR1 protein function with a negative predictive value of 80%. In summary, the available evidence is currently insufficient to determine the role of this variant in disease. Therefore, it has been classified as a Variant of Uncertain Significance.